The following is an entry in ClinVar:

NM_022168.4(IFIH1):c.985C>A (p.Leu329Ile)

Gene: IFIH1 (interferon induced with helicase C domain 1; minus strand). Cytogenetic location: 2q24.2.
Variant type: single nucleotide variant.
Coding change: c.985C>A on transcript NM_022168.4 (MANE Select); coding-DNA position 985, C replaced by A.
Protein change: p.Leu329Ile; replaces leucine 329 with isoleucine.
Molecular consequence: missense variant.
Genome position (GRCh38, 1-based): chr2:162,288,245, G>T on the plus strand (C>A on the coding strand, the complement: IFIH1 is on the minus strand). VCF-style: chr2-162288245-G-T. GRCh37 (hg19) VCF-style: chr2-163144755-G-T.
Other names: short protein forms L329I.
Identifiers: ClinVar variation 3753637 (VCV003753637.2).
Genomic context (GRCh38, chr2:162,288,245, plus strand): 5'-TGTCTAAGTGATCCTTGGCAATGTAAACAGCCACTCTGGTTTTTCCACTCCCTGTAGGGA[G>T]GCAGATGATGATATTCTTCCCTTCCAAGGCTGGCTGGGCAACTTCCATTTGGTAAGGCCT-3'
Protein context (NP_071451.2, residues 319-339): ALEGKNIIIC[Leu329Ile]PTGSGKTRVA

ClinVar aggregate classification (germline): Uncertain significance (1 of 4 stars; one submission).

Conditions:
Singleton-Merten syndrome 1 (SGMRT1). Also called: Widened medullary cavities of bone, aortic calcification, abnormal dentition, and muscular weakness; Syndrome of widened medullary cavities of the metacarpals and phalanges, aortic calcification and abnormal dentition. Identifiers: Orphanet 85191, MedGen C4225427, MONDO:0024535, OMIM 182250.
Aicardi-Goutieres syndrome 7 (AGS7). Identifiers: Orphanet 51, MedGen C3888244, MONDO:0014367, OMIM 615846.

Submission:

Labcorp Genetics (formerly Invitae), Labcorp
Classification: Uncertain significance for Aicardi-Goutieres syndrome 7; Singleton-Merten syndrome 1. Last evaluated: 2024-05-02. Review status: criteria provided, single submitter. Criteria: Invitae Variant Classification Sherloc (09022015). Collection method: clinical testing. Allele origin: germline.
Comment: This sequence change replaces leucine, which is neutral and non-polar, with isoleucine, which is neutral and non-polar, at codon 329 of the IFIH1 protein (p.Leu329Ile). This variant is not present in population databases (gnomAD no frequency). This variant has not been reported in the literature in individuals affected with IFIH1-related conditions. Algorithms developed to predict the effect of missense changes on protein structure and function output the following: SIFT: "Not Available"; PolyPhen-2: "Benign"; Align-GVGD: "Not Available". The isoleucine amino acid residue is found in multiple mammalian species, which suggests that this missense change does not adversely affect protein function. This variant disrupts the p.Leu329 amino acid residue in IFIH1. Other variant(s) that disrupt this residue have been determined to be pathogenic (Invitae). This suggests that this residue is clinically significant, and that variants that disrupt this residue are likely to be disease-causing. In summary, the available evidence is currently insufficient to determine the role of this variant in disease. Therefore, it has been classified as a Variant of Uncertain Significance.